The following is an entry in ClinVar:

NM_001009944.3(PKD1):c.2606G>C (p.Arg869Pro)

Gene: PKD1 (polycystin 1, transient receptor potential channel interacting; minus strand). Cytogenetic location: 16p13.3.
Variant type: single nucleotide variant.
Coding change: c.2606G>C on transcript NM_001009944.3 (MANE Select); coding-DNA position 2606, G replaced by C.
Protein change: p.Arg869Pro; replaces arginine 869 with proline.
Molecular consequence: missense variant.
Genome position (GRCh38, 1-based): chr16:2,114,417, C>G on the plus strand (G>C on the coding strand, the complement: PKD1 is on the minus strand). VCF-style: chr16-2114417-C-G. GRCh37 (hg19) VCF-style: chr16-2164418-C-G.
Other names: c.2606G>C, p.Arg869Pro (NM_000296.4); short protein forms R869P.
Identifiers: ClinVar variation 2431017 (VCV002431017.1), dbSNP rs377303753, ClinGen allele CA394387359.
Genomic context (GRCh38, chr16:2,114,417, plus strand): 5'-GTCTCCCAGGGGCAGCCGGGCACGAAGGTGGCCACCAGGGCAGGGCAGACATTCTCAAAG[C>G]GGGCGCTGACACTGCCCCCAGGCCAGCGAGCCGTGGCCGTGGCGTTGGCACCAGAGTCCA-3'
Protein context (NP_001009944.3, residues 859-879): ARWPGGSVSA[Arg869Pro]FENVCPALVA

ClinVar aggregate classification (germline): Uncertain significance (1 of 4 stars; one submission).

gnomAD v4.1: 1 of 1,603,068 alleles (0.000062%); highest among the groups gnomAD compares: Non-Finnish European, 0.000085%; no homozygotes.

Submission:

GeneDx
Classification: Uncertain significance. Last evaluated: 2022-08-15. Review status: criteria provided, single submitter. Criteria: GeneDx Variant Classification Process June 2021. Collection method: clinical testing. Allele origin: germline. Affected: yes.
Comment: Not observed at significant frequency in large population cohorts (gnomAD); In silico analysis supports that this missense variant does not alter protein structure/function; Has not been previously published as pathogenic or benign to our knowledge